The following is an entry in ClinVar:

ClinVar aggregate classification (germline): Uncertain significance (1 of 4 stars; one submission).

Conditions:
Tooth agenesis, selective, X-linked, 1 (STHAGX1). Also called: HYPODONTIA/OLIGODONTIA, X-LINKED, 1. Identifiers: Orphanet 99798, MedGen C1970757, MONDO:0010741, OMIM 313500. Disease mechanism: loss of function.

Submission:

3billion
Classification: Uncertain significance for Tooth agenesis, selective, X-linked, 1. Last evaluated: 2025-10-04. Review status: criteria provided, single submitter. Criteria: ACMG Guidelines, 2015. Collection method: clinical testing. Allele origin: germline. Affected: yes.
Comment: The variant is observed at an extremely low frequency in the gnomAD v4.1.0 dataset (total allele frequency: <0.001%). Predicted Consequence/Location: The variant is located in a mutational hot spot and/or well-established functional domain in which established pathogenic variants have been reported. Inframe deletion located in a nonrepeat region: predicted to change the length of the protein and disrupt normal protein function. Therefore, this variant is classified as VUS according to the recommendation of ACMG/AMP guideline.

NM_001399.5(EDA):c.668_676del (p.217PGP[2])

Gene: EDA (ectodysplasin A; plus strand). Cytogenetic location: Xq13.1.
Variant type: Deletion.
Coding change: c.668_676del on transcript NM_001399.5 (MANE Select); coding-DNA positions 668 to 676, 9 bases deleted (CTGGTCCTC; older notation c.668_676delCTGGTCCTC).
Protein change: p.217PGP[2].
Molecular consequence: inframe deletion.
Genome position (GRCh38, 1-based): chrX:70,027,998-70,028,006, CTGGTCCTC deleted; deleting any 9 consecutive bases within chrX:70,027,991-70,028,006 gives the same sequence; the c. name uses the placement nearest the transcript's 3' end. VCF-style (leftmost placement, unchanged base first): chrX-70027990-AGGTCCTCCT-A. GRCh37 (hg19) VCF-style: chrX-69247840-AGGTCCTCCT-A.
Other names: c.668_676del, p.217PGP[2] (NM_001005609.2, NM_001005612.3, NM_001440761.1 and 1 more transcripts).
Identifiers: ClinVar variation 4854009 (VCV004854009.1).